The following is an entry in ClinVar:

ClinVar aggregate classification (germline): Likely benign (1 of 4 stars; one submission).

gnomAD v4.1: 3 of 1,447,654 alleles (0.00021%); highest among the groups gnomAD compares: Non-Finnish European, 0.00027%; no homozygotes.

Submission:

GeneDx
Classification: Likely benign. Last evaluated: 2024-03-04. Review status: criteria provided, single submitter. Criteria: GeneDx Variant Classification Process June 2021. Collection method: clinical testing. Allele origin: germline. Affected: yes.
Comment: See Variant Classification Assertion Criteria.

NM_005458.8(GABBR2):c.2767G>T (p.Ala923Ser)

Gene: GABBR2 (gamma-aminobutyric acid type B receptor subunit 2; minus strand). Cytogenetic location: 9q22.33.
Variant type: single nucleotide variant.
Coding change: c.2767G>T on transcript NM_005458.8 (MANE Select); coding-DNA position 2767, G replaced by T.
Protein change: p.Ala923Ser; replaces alanine 923 with serine.
Molecular consequence: missense variant.
Genome position (GRCh38, 1-based): chr9:98,290,643, C>A on the plus strand (G>T on the coding strand, the complement: GABBR2 is on the minus strand). VCF-style: chr9-98290643-C-A. GRCh37 (hg19) VCF-style: chr9-101052925-C-A.
Other names: short protein forms A923S.
Identifiers: ClinVar variation 3340554 (VCV003340554.1).
Genomic context (GRCh38, chr9:98,290,643, plus strand): 5'-CTTACAGGCCCGAGACCATGACTCGGAAGGAGGGTGGCACATGTCTGTGGCGGGGGCTGG[C>A]GGTGGGGCTGACGCAGGGGCTGACACAGCTGGCGTCCACGCCTCCGATGGATGGGAGGTA-3'
Protein context (NP_005449.5, residues 913-933): SCVSPCVSPT[Ala923Ser]SPRHRHVPPS